The following is an entry in ClinVar:

NM_052947.4(ALPK2):c.3607G>A (p.Glu1203Lys)

Gene: ALPK2 (alpha kinase 2; minus strand). Cytogenetic location: 18q21.31.
Variant type: single nucleotide variant.
Coding change: c.3607G>A on transcript NM_052947.4 (MANE Select); coding-DNA position 3607, G replaced by A.
Protein change: p.Glu1203Lys; replaces glutamic acid 1203 with lysine.
Molecular consequence: missense variant.
Genome position (GRCh38, 1-based): chr18:58,536,580, C>T on the plus strand (G>A on the coding strand, the complement: ALPK2 is on the minus strand). VCF-style: chr18-58536580-C-T. GRCh37 (hg19) VCF-style: chr18-56203812-C-T.
Other names: short protein forms E1203K.
Identifiers: ClinVar variation 1733169 (VCV001733169.2), dbSNP rs1355159931, ClinGen allele CA402566372.

ClinVar aggregate classification (germline): Uncertain significance (1 of 4 stars; one submission).

Submission:

Ambry Genetics
Classification: Uncertain significance. Last evaluated: 2021-07-19. Review status: criteria provided, single submitter. Criteria: Ambry Variant Classification Scheme 2023. Collection method: clinical testing. Allele origin: germline.
Comment: The p.E1203K variant (also known as c.3607G>A), located in coding exon 4 of the ALPK2 gene, results from a G to A substitution at nucleotide position 3607. The glutamic acid at codon 1203 is replaced by lysine, an amino acid with similar properties. This amino acid position is conserved. In addition, this alteration is predicted to be tolerated by in silico analysis. Since supporting evidence is limited at this time, the clinical significance of this alteration remains unclear.